The following is an entry in ClinVar:

ClinVar aggregate classification (germline): Uncertain significance (1 of 4 stars; one submission).

Conditions:
Hereditary cancer-predisposing syndrome. Also called: Neoplastic Syndromes, Hereditary; Tumor predisposition; Hereditary neoplastic syndrome; Hereditary Cancer Syndrome. Identifiers: Orphanet 140162, MedGen C0027672, MeSH D009386, MONDO:0015356.

gnomAD v4.1: 1 of 1,612,940 alleles (0.000062%); highest among the groups gnomAD compares: Non-Finnish European, 0.000085%; no homozygotes.

Submission:

Ambry Genetics
Classification: Uncertain significance for Hereditary cancer-predisposing syndrome. Last evaluated: 2026-08-26. Review status: criteria provided, single submitter. Criteria: Ambry Variant Classification Scheme 2023. Collection method: clinical testing. Allele origin: germline.
Comment: The c.2888-2A>G intronic variant results from an A to G substitution two nucleotides upstream from coding exon 18 in the PTCH1 gene. Variants that disrupt the canonical splice site are expected to result in aberrant splicing. In silico splice site analysis predicts that this alteration will weaken the native splice acceptor site and will result in the creation or strengthening of a novel splice acceptor site. A resulting transcript is predicted to be in-frame and is not expected to trigger nonsense-mediated mRNAdecay; although, direct evidence is unavailable. This nucleotide position is highly conserved in available vertebrate species. Based on the available evidence, the clinical significance of this variant remains unclear.

NM_000264.5(PTCH1):c.2888-2A>G

Gene: PTCH1 (patched 1; minus strand). Cytogenetic location: 9q22.32.
Variant type: single nucleotide variant.
Coding change: c.2888-2A>G on transcript NM_000264.5 (MANE Select); the canonical splice acceptor site of the intron before coding-DNA position 2888, A replaced by G.
Molecular consequence: splice acceptor variant.
Genome position (GRCh38, 1-based): chr9:95,458,295, T>C on the plus strand (A>G on the coding strand, the complement: PTCH1 is on the minus strand). VCF-style: chr9-95458295-T-C. GRCh37 (hg19) VCF-style: chr9-98220577-T-C.
Other names: c.2885-2A>G (NM_001083603.3); c.2690-2A>G (NM_001083602.3); c.2732-2A>G (NM_001354918.2); c.2435-2A>G (NM_001083605.3, NM_001083604.3, NM_001083606.3 and 1 more transcripts).
Identifiers: ClinVar variation 5027419 (VCV005027419.1).
Genomic context (GRCh38, chr9:95,458,295, plus strand): 5'-CCGCAAGCCGTTGAGGTAGAAAGGGAACTGGGCATACTCGATGGGCTCTGCTGCCGGGAC[T>C]GGACAGAGAAGGGCACAGGTTAGGAGCAGCCCAGGGTAGAAGAGCATCACAGTTTCAATG-3'